The following is an entry in ClinVar:

ClinVar aggregate classification (germline): Pathogenic/Likely pathogenic. Review status: criteria provided, multiple submitters, no conflicts (2 of 4 stars). 10 submissions from 10 submitters: Pathogenic (7); Likely pathogenic (2). 1 of the submissions does not count toward it. Last evaluated 2026-04-12.

Conditions:
BBS7-related disorder. Also called: BBS7-related condition.
Retinal dystrophy. Also called: Inherited retinal dystrophy. Identifiers: Orphanet 71862, MedGen C0854723, MeSH D058499, MONDO:0019118, HP:0000556.
Bardet-Biedl syndrome (BBS). Identifiers: Orphanet 110, MedGen C0752166, MONDO:0015229.
Bardet-Biedl syndrome 7 (BBS7). Identifiers: Orphanet 110, MedGen C1859565, MONDO:0014435, OMIM 615984.

Allele frequency attached by ClinVar (database versions not stated): ExAC 0.00002; gnomAD exomes 0.00003 and 0.00006; TOPMed 0.00004; gnomAD 0.00009 and 0.00010.
gnomAD v4.1: 94 of 1,613,656 alleles (0.0058%); highest among the groups gnomAD compares: Non-Finnish European, 0.0076%; no homozygotes.

Submissions (10):

PreventionGenetics, part of Exact Sciences
Classification: Pathogenic for BBS7-related condition. Last evaluated: 2026-04-12. Review status: criteria provided, single submitter. Criteria: ACMG Guidelines, 2015. Collection method: clinical testing. Allele origin: germline.
Comment: The BBS7 c.968A>G variant is predicted to result in the amino acid substitution p.His323Arg. This variant has been reported in the homozygous state in at least four individuals with a diagnosis or clinical features consistent with Bardet-Biedl syndrome (BBS) and was shown to segregate with BBS in at least two families (Badano et al. 2003. PubMed ID: 12567324; Internal Data, PreventionGenetics). This variant has also been reported, along with a loss of function BBS7 variant, in an individual from a cohort of patients with inherited retinal degeneration (IRD) or inherited optic neuropathy (ION) (patient BBS70 in Table S1, Weisschuh et al. 2024. PubMed ID: 37734845). Functional studies indicate this variant disrupts BBS7 protein localization (Zaghloul et al. 2010. PubMed ID: 20498079; Gascue et al. 2012. PubMed ID: 22302990). This variant is reported in 0.0080% of alleles in individuals of African descent in gnomAD. This variant is interpreted as pathogenic.

Labcorp Genetics (formerly Invitae), Labcorp
Classification: Pathogenic for Bardet-Biedl syndrome. Last evaluated: 2026-01-11. Review status: criteria provided, single submitter. Criteria: Invitae Variant Classification Sherloc (09022015). Collection method: clinical testing. Allele origin: germline.
Comment: This sequence change replaces histidine, which is basic and polar, with arginine, which is basic and polar, at codon 323 of the BBS7 protein (p.His323Arg). This variant is present in population databases (rs119466001, gnomAD 0.008%). This missense change has been observed in individuals with Bardet-Biedl syndrome (PMID: 12567324, 32531858). It has also been observed to segregate with disease in related individuals. ClinVar contains an entry for this variant (Variation ID: 3015). Invitae Evidence Modeling of protein sequence and biophysical properties (such as structural, functional, and spatial information, amino acid conservation, physicochemical variation, residue mobility, and thermodynamic stability) indicates that this missense variant is not expected to disrupt BBS7 protein function with a negative predictive value of 80%. Experimental studies have shown that this missense change affects BBS7 function (PMID: 20498079, 22302990). For these reasons, this variant has been classified as Pathogenic.

GeneDx
Classification: Likely pathogenic. Last evaluated: 2025-07-30. Review status: criteria provided, single submitter. Criteria: GeneDx Variant Classification Process June 2021. Collection method: clinical testing. Allele origin: germline. Affected: yes.
Comment: Published functional studies demonstrate H323R impacts the rate of BBS7 nuclear export through a dominant negative mechanism (PMID: 22302990, 20498079); In silico analysis supports that this missense variant does not alter protein structure/function; This variant is associated with the following publications: (PMID: 20498079, 31589614, 31939736, 22302990, 32783370, 37734845, 12567324, 35886001, 32531858, 31964843)

Women's Health and Genetics/Laboratory Corporation of America, LabCorp
Classification: Pathogenic for Bardet-Biedl syndrome. Last evaluated: 2025-05-06. Review status: criteria provided, single submitter. Criteria: LabCorp Variant Classification Summary - May 2015. Collection method: clinical testing. Allele origin: germline.
Comment: Variant summary: BBS7 c.968A>G (p.His323Arg) results in a non-conservative amino acid change in the encoded protein sequence. Algorithms developed to predict the effect of missense changes on protein structure and function all suggest that this variant is likely to be disruptive. The variant allele was found at a frequency of 2.8e-05 in 251292 control chromosomes. c.968A>G has been observed in multiple homozygous individuals affected with Bardet-Biedl Syndrome (Badano_2003). These data indicate that the variant is very likely to be associated with disease. At least one publication reports experimental evidence evaluating an impact on protein function, and the results show that this variant has a dominant negative effect on normal protein function (Zaghloul_2010). The following publications have been ascertained in the context of this evaluation (PMID: 12567324, 20498079). ClinVar contains an entry for this variant (Variation ID: 3015). Based on the evidence outlined above, the variant was classified as pathogenic.

Fulgent Genetics
Classification: Likely pathogenic for Bardet-Biedl syndrome 7. Last evaluated: 2024-02-07. Review status: criteria provided, single submitter. Criteria: ACMG Guidelines, 2015. Collection method: clinical testing. Allele origin: germline.

Blueprint Genetics
Classification: Pathogenic for BBS7-related disorders. Last evaluated: 2022-08-11. Review status: criteria provided, single submitter. Criteria: ACMG Guidelines, 2015. Collection method: clinical testing. Allele origin: germline. Affected: yes. Observed: 3 variant alleles.

Institute of Medical Genetics and Applied Genomics, University Hospital Tübingen
Classification: Pathogenic. Last evaluated: 2020-10-23. Review status: criteria provided, single submitter. Criteria: ACMG Guidelines, 2015. Collection method: clinical testing. Allele origin: germline. Inheritance: Autosomal recessive inheritance. Affected: yes.

CeGaT Center for Human Genetics Tuebingen
Classification: Pathogenic. Last evaluated: 2018-04-01. Review status: criteria provided, single submitter. Criteria: CeGaT Center For Human Genetics Tuebingen Variant Classification Criteria Version 2. Collection method: clinical testing. Allele origin: germline. Affected: yes. Observed: 1 variant allele.

Institute of Human Genetics, Univ. Regensburg, Univ. Regensburg
Classification: Pathogenic for Retinal dystrophy. Last evaluated: 2010-01-01. Review status: criteria provided, single submitter. Criteria: ACMG Guidelines, 2015. Collection method: clinical testing. Allele origin: germline. Affected: yes.

OMIM
Classification: Pathogenic for BARDET-BIEDL SYNDROME 7. Last evaluated: 2003-03-01. Review status: no assertion criteria provided. Collection method: literature only. Allele origin: germline. Not counted in ClinVar's aggregate classification.

Literature cited by the submitters: PubMed 12567324 (cited by 4 submitters); PubMed 32531858 (cited by Labcorp Genetics (formerly Invitae), Labcorp and Institute of Human Genetics, Univ. Regensburg, Univ. Regensburg); PubMed 20498079 (cited by 3 submitters); PubMed 22302990 (cited by Labcorp Genetics (formerly Invitae), Labcorp); PubMed 31589614 (cited by Institute of Human Genetics, Univ. Regensburg, Univ. Regensburg); PubMed 31964843 (cited by Institute of Human Genetics, Univ. Regensburg, Univ. Regensburg); PubMed 35886001 (cited by Institute of Human Genetics, Univ. Regensburg, Univ. Regensburg).

NM_176824.3(BBS7):c.968A>G (p.His323Arg)

Gene: BBS7 (Bardet-Biedl syndrome 7; minus strand). Cytogenetic location: 4q27.
Variant type: single nucleotide variant.
Coding change: c.968A>G on transcript NM_176824.3 (MANE Select); coding-DNA position 968, A replaced by G.
Protein change: p.His323Arg; replaces histidine 323 with arginine.
Molecular consequence: missense variant.
Genome position (GRCh38, 1-based): chr4:121,847,473, T>C on the plus strand (A>G on the coding strand, the complement: BBS7 is on the minus strand). VCF-style: chr4-121847473-T-C. GRCh37 (hg19) VCF-style: chr4-122768628-T-C.
Other names: c.968A>G, p.His323Arg (NM_018190.4); short protein forms H323R.
Identifiers: ClinVar variation 3015 (VCV000003015.59), dbSNP rs119466001, ClinGen allele CA252533.
Genomic context (GRCh38, chr4:121,847,473, plus strand): 5'-GAAATTTTATTCTGCATCTCCTGATTAATTTTTAGTTCTTCTCCTGGTCCACTTTCCTTA[T>C]GAATGGGCTCTGTTGTCAGACCTGTAACCCAGCCTGTAGAGATGAATTACAATCACGCAC-3'
Protein context (NP_789794.1, residues 313-333): WVTGLTTEPI[His323Arg]KESGPGEELK